The following is an entry in ClinVar:

NM_001040108.2(MLH3):c.1129A>G (p.Thr377Ala)

Gene: MLH3 (mutL homolog 3; minus strand). Cytogenetic location: 14q24.3.
Variant type: single nucleotide variant.
Coding change: c.1129A>G on transcript NM_001040108.2 (MANE Select); coding-DNA position 1129, A replaced by G.
Protein change: p.Thr377Ala; replaces threonine 377 with alanine.
Molecular consequence: missense variant.
Genome position (GRCh38, 1-based): chr14:75,048,527, T>C on the plus strand (A>G on the coding strand, the complement: MLH3 is on the minus strand). VCF-style: chr14-75048527-T-C. GRCh37 (hg19) VCF-style: chr14-75515230-T-C.
Other names: c.1129A>G, p.Thr377Ala (NM_014381.3); short protein forms T377A.
Identifiers: ClinVar variation 3396630 (VCV003396630.1).

ClinVar aggregate classification (germline): Uncertain significance (1 of 4 stars; one submission).

Submission:

Ambry Genetics
Classification: Uncertain significance. Last evaluated: 2024-10-17. Review status: criteria provided, single submitter. Criteria: Ambry Variant Classification Scheme 2023. Collection method: clinical testing. Allele origin: germline.
Comment: The p.T377A variant (also known as c.1129A>G), located in coding exon 1 of the MLH3 gene, results from an A to G substitution at nucleotide position 1129. The threonine at codon 377 is replaced by alanine, an amino acid with similar properties. This amino acid position is conserved. In addition, this alteration is predicted to be tolerated by in silico analysis. Based on the available evidence, the clinical significance of this variant remains unclear.